The following is an entry in ClinVar:

NM_001370298.3(FGD4):c.1620_1621del (p.Leu541fs)

Gene: FGD4 (FYVE, RhoGEF and PH domain containing 4; plus strand). Cytogenetic location: 12p11.21.
Variant type: Microsatellite.
Coding change: c.1620_1621del on transcript NM_001370298.3 (MANE Select); coding-DNA positions 1620 to 1621, 2 bases deleted (CT; older notation c.1620_1621delCT).
Protein change: p.Leu541fs; shifts the reading frame from leucine 541.
Molecular consequence: frameshift variant.
Genome position (GRCh38, 1-based): chr12:32,611,154-32,611,155, CT deleted; deleting any 2 consecutive bases within chr12:32,611,152-32,611,155 gives the same sequence; the c. name uses the placement nearest the transcript's 3' end. VCF-style (leftmost placement, unchanged base first): chr12-32611151-ACT-A. GRCh37 (hg19) VCF-style: chr12-32764085-ACT-A.
Other names: c.1464_1465del, p.Leu489fs (NM_001304481.2); c.465_466del, p.Leu156fs (NM_001304483.2); c.177_178del, p.Leu60fs (NM_001304484.2); c.930_931del, p.Leu311fs (NM_001330373.2, NM_001330374.2, NM_001384130.1); c.657_658del, p.Leu220fs (NM_001370297.1); c.1620_1621del, p.Leu541fs (NM_001384126.1); c.1209_1210del, p.Leu404fs (NM_001384127.1, NM_001384128.1, NM_001385118.1 and 1 more transcripts); short protein forms L311fs, L60fs, L156fs, L404fs, L489fs, L220fs, L541fs.
Identifiers: ClinVar variation 3654646 (VCV003654646.2).

ClinVar aggregate classification (germline): Pathogenic (1 of 4 stars; one submission).

Conditions:
Charcot-Marie-Tooth disease type 4. Also called: Charcot-Marie-Tooth, Type 4; Charcot-Marie-Tooth disease, type IV. Identifiers: Orphanet 64749, MedGen C4082197, MONDO:0018995.

Submission:

Labcorp Genetics (formerly Invitae), Labcorp
Classification: Pathogenic for Charcot-Marie-Tooth disease type 4. Last evaluated: 2024-05-26. Review status: criteria provided, single submitter. Criteria: Invitae Variant Classification Sherloc (09022015). Collection method: clinical testing. Allele origin: germline.
Comment: This sequence change creates a premature translational stop signal (p.Leu404Argfs*4) in the FGD4 gene. It is expected to result in an absent or disrupted protein product. Loss-of-function variants in FGD4 are known to be pathogenic (PMID: 17564972). This variant is not present in population databases (gnomAD no frequency). This variant has not been reported in the literature in individuals affected with FGD4-related conditions. For these reasons, this variant has been classified as Pathogenic.

Literature cited by the submitters: PubMed 17564972.